The following is an entry in ClinVar:

NM_206933.4(USH2A):c.14184C>T (p.Cys4728=)

Gene: USH2A (usherin; minus strand). Cytogenetic location: 1q41.
Variant type: single nucleotide variant.
Coding change: c.14184C>T on transcript NM_206933.4 (MANE Select); coding-DNA position 14184, C replaced by T.
Protein change: p.Cys4728=; no amino-acid change (cysteine 4728 retained).
Molecular consequence: synonymous variant.
Genome position (GRCh38, 1-based): chr1:215,650,751, G>A on the plus strand (C>T on the coding strand, the complement: USH2A is on the minus strand). VCF-style: chr1-215650751-G-A. GRCh37 (hg19) VCF-style: chr1-215824093-G-A.
Identifiers: ClinVar variation 48430 (VCV000048430.40), dbSNP rs200934092, ClinGen allele CA143338.

ClinVar aggregate classification (germline): Likely benign. Review status: criteria provided, multiple submitters, no conflicts (2 of 4 stars). 7 submissions from 6 submitters: Likely benign (6). 1 of the submissions does not count toward it. Last evaluated 2026-02-04.

Conditions:
Retinitis pigmentosa 39 (RP39). Identifiers: Orphanet 791, MedGen C3151138, MONDO:0013436, OMIM 613809.
Usher syndrome type 2A. Also called: USHER SYNDROME, TYPE IIA; RETINAL DISEASE IN USHER SYNDROME TYPE IIA, MODIFIER OF. Identifiers: Orphanet 231178, Orphanet 886, MedGen C1848634, MONDO:0010169, OMIM 276901.

Allele frequency attached by ClinVar (database versions not stated): ExAC 0.00012; gnomAD 0.00004 and 0.00005; gnomAD exomes 0.00006 and 0.00011.
gnomAD v4.1: 106 of 1,613,238 alleles (0.0066%); highest among the groups gnomAD compares: Middle Eastern, 0.066%; no homozygotes.

Submissions (7):

Labcorp Genetics (formerly Invitae), Labcorp
Classification: Likely benign. Last evaluated: 2026-02-04. Review status: criteria provided, single submitter. Criteria: Invitae Variant Classification Sherloc (09022015). Collection method: clinical testing. Allele origin: germline.

Blueprint Genetics
Classification: Likely benign. Last evaluated: 2024-11-26. Review status: criteria provided, single submitter. Criteria: ACMG Guidelines, 2015. Collection method: clinical testing. Allele origin: germline.

Genome-Nilou Lab
Classification: Likely benign for Retinitis pigmentosa 39. Last evaluated: 2023-11-04. Review status: criteria provided, single submitter. Criteria: ACMG Guidelines, 2015. Collection method: clinical testing. Allele origin: germline. Affected: no.

Genome-Nilou Lab
Classification: Likely benign for Usher syndrome type 2A. Last evaluated: 2023-11-04. Review status: criteria provided, single submitter. Criteria: ACMG Guidelines, 2015. Collection method: clinical testing. Allele origin: germline. Affected: no.

CeGaT Center for Human Genetics Tuebingen
Classification: Likely benign. Last evaluated: 2023-01-01. Review status: criteria provided, single submitter. Criteria: CeGaT Center For Human Genetics Tuebingen Variant Classification Criteria Version 2. Collection method: clinical testing. Allele origin: germline. Affected: yes. Observed: 1 variant allele.
Comment: USH2A: BP4, BP7

Laboratory for Molecular Medicine, Mass General Brigham Personalized Medicine
Classification: Likely benign. Last evaluated: 2012-01-27. Review status: criteria provided, single submitter. Criteria: LMM Criteria. Collection method: clinical testing. Allele origin: germline. Observed: 1 variant allele.
Comment: Cys4728Cys in exon 65 of USH2A: This variant is not expected to have clinical si gnificance because it does not alter an amino acid residue and is not located wi thin the splice consensus sequence.

Counsyl
Classification: Likely benign for Usher syndrome type 2A; Retinitis pigmentosa 39. Last evaluated: 2017-05-09. Review status: no assertion criteria provided. Collection method: clinical testing. Allele origin: unknown. Not counted in ClinVar's aggregate classification.